The following is an entry in ClinVar:

ClinVar aggregate classification (germline): Likely benign (1 of 4 stars; one submission).

Submission:

CeGaT Center for Human Genetics Tuebingen
Classification: Likely benign. Last evaluated: 2022-11-01. Review status: criteria provided, single submitter. Criteria: CeGaT Center For Human Genetics Tuebingen Variant Classification Criteria Version 2. Collection method: clinical testing. Allele origin: germline. Affected: yes. Observed: 1 variant allele.
Comment: ZFPM1: BP4, BP7

NM_153813.3(ZFPM1):c.2274G>C (p.Pro758=)

Gene: ZFPM1 (zinc finger protein, FOG family member 1; plus strand). Cytogenetic location: 16q24.2.
Variant type: single nucleotide variant.
Coding change: c.2274G>C on transcript NM_153813.3 (MANE Select); coding-DNA position 2274, G replaced by C.
Protein change: p.Pro758=; no amino-acid change (proline 758 retained).
Molecular consequence: synonymous variant.
Genome position (GRCh38, 1-based): chr16:88,534,232, G>C. VCF-style: chr16-88534232-G-C. GRCh37 (hg19) VCF-style: chr16-88600640-G-C.
Identifiers: ClinVar variation 2646978 (VCV002646978.24), dbSNP rs1477534596, ClinGen allele CA497360501.